The following is an entry in ClinVar:

ClinVar aggregate classification (germline): Benign/Likely benign. Review status: criteria provided, multiple submitters, no conflicts (2 of 4 stars). 5 submissions from 5 submitters: Benign (1); Likely benign (4). Last evaluated 2025-07-13.

Conditions:
Hereditary cancer-predisposing syndrome. Also called: Neoplastic Syndromes, Hereditary; Hereditary Cancer Syndrome; Tumor predisposition; Hereditary neoplastic syndrome. Identifiers: Orphanet 140162, MedGen C0027672, MeSH D009386, MONDO:0015356.
Familial cancer of breast. Also called: Hereditary breast cancer; BREAST CANCER, FAMILIAL; hereditary breast carcinoma. Identifiers: Orphanet 227535, MedGen C0346153, MONDO:0016419, OMIM 114480. Disease mechanism: loss of function.
Ataxia-telangiectasia syndrome (AT). Also called: LOUIS-BAR SYNDROME; Cerebello-oculocutaneous telangiectasia; Immunodeficiency with ataxia telangiectasia; Ataxia-telangiectasia, complementation group D; AT, COMPLEMENTATION GROUP C; Ataxia-telangiectasia, complementation group E. Identifiers: Orphanet 100, MedGen C0004135, MONDO:0008840, OMIM 208900.

Allele frequency attached by ClinVar (database versions not stated): ExAC 0.00002; ESP Exome Variant Server 0.00008; gnomAD exomes 0.00001 and below 0.00001.
gnomAD v4.1: 2 of 1,614,172 alleles (0.00012%); highest among the groups gnomAD compares: Non-Finnish European, 0.00017%; no homozygotes.

Submissions (5):

Labcorp Genetics (formerly Invitae), Labcorp
Classification: Likely benign for Ataxia-telangiectasia syndrome. Last evaluated: 2025-07-13. Review status: criteria provided, single submitter. Criteria: Invitae Variant Classification Sherloc (09022015). Collection method: clinical testing. Allele origin: germline.

Myriad Genetics, Inc.
Classification: Benign for Familial cancer of breast. Last evaluated: 2024-06-13. Review status: criteria provided, single submitter. Criteria: Myriad Autosomal Dominant, Autosomal Recessive and X-Linked Classification Criteria (2023). Collection method: clinical testing. Allele origin: unknown.
Comment: This variant is considered benign. This variant is a silent/synonymous amino acid change and it is not expected to impact splicing.

Color Diagnostics, LLC DBA Color Health
Classification: Likely benign for Hereditary cancer-predisposing syndrome. Last evaluated: 2019-07-23. Review status: criteria provided, single submitter. Criteria: ACMG Guidelines, 2015. Collection method: clinical testing. Allele origin: germline.

GeneDx
Classification: Likely benign. Last evaluated: 2018-01-25. Review status: criteria provided, single submitter. Criteria: GeneDx Variant Classification (06012015). Collection method: clinical testing. Allele origin: germline. Affected: yes.
Comment: This variant is considered likely benign or benign based on one or more of the following criteria: it is a conservative change, it occurs at a poorly conserved position in the protein, it is predicted to be benign by multiple in silico algorithms, and/or has population frequency not consistent with disease.

Ambry Genetics
Classification: Likely benign for Hereditary cancer-predisposing syndrome. Last evaluated: 2017-05-08. Review status: criteria provided, single submitter. Criteria: Ambry Variant Classification Scheme 2023. Collection method: clinical testing. Allele origin: germline.

NM_000051.4(ATM):c.7363C>T (p.Leu2455=)

Genes: ATM (ATM serine/threonine kinase; plus strand), C11orf65 (chromosome 11 open reading frame 65; minus strand). Cytogenetic location: 11q22.3.
Variant type: single nucleotide variant.
Coding change: c.7363C>T on transcript NM_000051.4 (MANE Select); coding-DNA position 7363, C replaced by T.
Protein change: p.Leu2455=; no amino-acid change (leucine 2455 retained).
Molecular consequence: synonymous variant. On other transcripts: intron variant (2).
Genome position (GRCh38, 1-based): chr11:108,330,269, C>T. VCF-style: chr11-108330269-C-T. GRCh37 (hg19) VCF-style: chr11-108200996-C-T.
Other names: c.7363C>T, p.Leu2455= (NM_001351834.2); c.641-21198G>A (NM_001330368.2); c.*38+4951G>A (NM_001351110.2).
Identifiers: ClinVar variation 482719 (VCV000482719.19), dbSNP rs147665149, ClinGen allele CA6266103.